The following is an entry in ClinVar:

NM_001035.3(RYR2):c.5978G>A (p.Arg1993His)

Gene: RYR2 (ryanodine receptor 2; plus strand). Cytogenetic location: 1q43.
Variant type: single nucleotide variant.
Coding change: c.5978G>A on transcript NM_001035.3 (MANE Select); coding-DNA position 5978, G replaced by A.
Protein change: p.Arg1993His; replaces arginine 1993 with histidine.
Molecular consequence: missense variant.
Genome position (GRCh38, 1-based): chr1:237,623,826, G>A. VCF-style: chr1-237623826-G-A. GRCh37 (hg19) VCF-style: chr1-237787126-G-A.
Other names: c.5978G>A, p.Arg1993His (LRG_402t1); short protein forms R1993H.
Identifiers: ClinVar variation 404230 (VCV000404230.16), dbSNP rs551362343, ClinGen allele CA087014.

ClinVar aggregate classification (germline): Uncertain significance. Review status: criteria provided, multiple submitters, no conflicts (2 of 4 stars). 6 submissions from 6 submitters: Uncertain significance (6). Last evaluated 2025-12-09.

Conditions:
Cardiovascular phenotype. Identifiers: MedGen CN230736.
Arrhythmogenic right ventricular dysplasia 2. Identifiers: MedGen C1832931.
Ventricular arrhythmias due to cardiac ryanodine receptor calcium release deficiency syndrome. Also called: Autosomal dominant cardiac arrhythmia (Kuhn). Identifiers: MedGen C5542154, MONDO:0020745, OMIM 115000.
Catecholaminergic polymorphic ventricular tachycardia 1. Also called: VENTRICULAR TACHYCARDIA, CATECHOLAMINERGIC POLYMORPHIC, 1, WITH OR WITHOUT ATRIAL DYSFUNCTION AND/OR DILATED CARDIOMYOPATHY; RYR2-Related Catecholaminergic Polymorphic Ventricular Tachycardia; VENTRICULAR TACHYCARDIA, STRESS-INDUCED POLYMORPHIC 1. Identifiers: Orphanet 3286, MedGen C1631597, MONDO:0011484, OMIM 604772.
Catecholaminergic polymorphic ventricular tachycardia (CVPT). Also called: Catecholamine-induced polymorphic ventricular tachycardia. Identifiers: Orphanet 3286, MedGen C5574922, MONDO:0017990.
Cardiomyopathy (CMYO). Also called: Cardiomyopathies. Identifiers: Orphanet 167848, MedGen C0878544, MONDO:0004994, HP:0001638. Inheritance: Various modes of inheritance.

Allele frequency attached by ClinVar (database versions not stated): gnomAD 0.00001; gnomAD exomes 0.00001 and 0.00002; ExAC 0.00002; TOPMed 0.00002; 1000 Genomes Project 30x 0.00016; 1000 Genomes Project 0.00020.
gnomAD v4.1: 18 of 1,613,264 alleles (0.0011%); highest among the groups gnomAD compares: South Asian, 0.0033%; no homozygotes.

Submissions (6):

Labcorp Genetics (formerly Invitae), Labcorp
Classification: Uncertain significance for Catecholaminergic polymorphic ventricular tachycardia 1. Last evaluated: 2025-12-09. Review status: criteria provided, single submitter. Criteria: Invitae Variant Classification Sherloc (09022015). Collection method: clinical testing. Allele origin: germline.
Comment: This sequence change replaces arginine, which is basic and polar, with histidine, which is basic and polar, at codon 1993 of the RYR2 protein (p.Arg1993His). This variant is present in population databases (rs551362343, gnomAD 0.006%). This variant has not been reported in the literature in individuals affected with RYR2-related conditions. ClinVar contains an entry for this variant (Variation ID: 404230). Invitae Evidence Modeling of protein sequence and biophysical properties (such as structural, functional, and spatial information, amino acid conservation, physicochemical variation, residue mobility, and thermodynamic stability) indicates that this missense variant is not expected to disrupt RYR2 protein function with a negative predictive value of 95%. In summary, the available evidence is currently insufficient to determine the role of this variant in disease. Therefore, it has been classified as a Variant of Uncertain Significance.

Ambry Genetics
Classification: Uncertain significance for Cardiovascular phenotype. Last evaluated: 2025-04-23. Review status: criteria provided, single submitter. Criteria: Ambry Variant Classification Scheme 2023. Collection method: clinical testing. Allele origin: germline.
Comment: The p.R1993H variant (also known as c.5978G>A), located in coding exon 39 of the RYR2 gene, results from a G to A substitution at nucleotide position 5978. The arginine at codon 1993 is replaced by histidine, an amino acid with highly similar properties. This variant was reported in a cohort of ostensibly healthy individuals (Bajaj A et al. Hum Genomics, 2022 Aug;16:30). This amino acid position is well conserved in available vertebrate species. In addition, this alteration is predicted to be tolerated by in silico analysis. Based on the available evidence, the clinical significance of this variant remains unclear.

All of Us Research Program, National Institutes of Health
Classification: Uncertain significance for Catecholaminergic polymorphic ventricular tachycardia. Last evaluated: 2024-07-29. Review status: criteria provided, single submitter. Criteria: ACMG Guidelines, 2015. Collection method: clinical testing. Allele origin: germline. Inheritance: Autosomal dominant inheritance. Observed: 11 variant alleles, 11 heterozygotes.
Comment: This missense variant replaces arginine with histidine at codon 1993 of the RYR2 protein. Computational prediction is inconclusive regarding the impact of this variant on protein structure and function (internally defined REVEL score threshold 0.5 < inconclusive < 0.7, PMID: 27666373). To our knowledge, functional studies have not been reported for this variant. This variant has not been reported in individuals affected with cardiovascular disorders in the literature. This variant has been identified in 6/249180 chromosomes in the general population by the Genome Aggregation Database (gnomAD). The available evidence is insufficient to determine the role of this variant in disease conclusively. Therefore, this variant is classified as a Variant of Uncertain Significance.

This study involves interpretation of variants in research participants for the purpose of population health screening. Participant phenotype was not available at the time of variant classification. Additional details can be found in publication PMID: 35346344, PMCID: PMC8962531

GeneDx
Classification: Uncertain significance. Last evaluated: 2024-03-07. Review status: criteria provided, single submitter. Criteria: GeneDx Variant Classification Process June 2021. Collection method: clinical testing. Allele origin: germline. Affected: yes.
Comment: Has not been previously published as pathogenic or benign to our knowledge; Not located in one of the three hot-spot regions of the RYR2 gene, where the majority of pathogenic missense variants occur (PMID: 19926015); In silico analysis supports that this missense variant has a deleterious effect on protein structure/function; This variant is associated with the following publications: (PMID: 19926015)

Color Diagnostics, LLC DBA Color Health
Classification: Uncertain significance for Cardiomyopathy. Last evaluated: 2023-07-21. Review status: criteria provided, single submitter. Criteria: ACMG Guidelines, 2015. Collection method: clinical testing. Allele origin: germline.
Comment: This missense variant replaces arginine with histidine at codon 1993 of the RYR2 protein. Computational prediction is inconclusive regarding the impact of this variant on protein structure and function (internally defined REVEL score threshold 0.5 < inconclusive < 0.7, PMID: 27666373). To our knowledge, functional studies have not been reported for this variant. This variant has not been reported in individuals affected with cardiovascular disorders in the literature. This variant has been identified in 6/249180 chromosomes in the general population by the Genome Aggregation Database (gnomAD). The available evidence is insufficient to determine the role of this variant in disease conclusively. Therefore, this variant is classified as a Variant of Uncertain Significance.

Fulgent Genetics
Classification: Uncertain significance for Ventricular arrhythmias due to cardiac ryanodine receptor calcium release deficiency syndrome; Catecholaminergic polymorphic ventricular tachycardia 1. Last evaluated: 2021-11-05. Review status: criteria provided, single submitter. Criteria: ACMG Guidelines, 2015. Collection method: clinical testing. Allele origin: unknown.

Literature cited by the submitters: PubMed 35932045 (cited by Ambry Genetics).